The following is an entry in ClinVar:

ClinVar aggregate classification (germline): Benign (1 of 4 stars; one submission).

Allele frequency attached by ClinVar (database versions not stated): 1000 Genomes Project 0.70188; 1000 Genomes Project 30x 0.70237; ExAC 0.74402; TOPMed 0.75119; gnomAD 0.76528; gnomAD exomes 0.79285; ESP Exome Variant Server 0.80454.

Submission:

Unidad de Genómica Garrahan, Hospital de Pediatría Garrahan
Classification: Benign. Last evaluated: 2024-01-24. Review status: criteria provided, single submitter. Criteria: ACMG Guidelines, 2015. Collection method: clinical testing. Allele origin: germline. Affected: no. Observed: 84 variant alleles.
Comment: This variant is classified as Benign based on local population frequency. This variant was detected in 88% of patients studied by a panel of primary immunodeficiencies. Number of patients: 84. Only high quality variants are reported.

NM_018518.5(MCM10):c.8-38C>T

Gene: MCM10 (minichromosome maintenance 10 replication initiation factor; plus strand). Cytogenetic location: 10p13.
Variant type: single nucleotide variant.
Coding change: c.8-38C>T on transcript NM_018518.5 (MANE Select); 38 bases into the intron before coding-DNA position 8, C replaced by T.
Molecular consequence: intron variant.
Genome position (GRCh38, 1-based): chr10:13,170,884, C>T. VCF-style: chr10-13170884-C-T. GRCh37 (hg19) VCF-style: chr10-13212884-C-T.
Other names: c.8-38C>T (NM_182751.3).
Identifiers: ClinVar variation 2687950 (VCV002687950.2), dbSNP rs2147279, ClinGen allele CA5411095.
Genomic context (GRCh38, chr10:13,170,884, plus strand): 5'-AGTTTCTCTTACCCCCATGGGGTCATTTAAATTGCCTAAAGTTGAATGTTTGGAATTAGC[C>T]GTGCTTATTCTCTGTCCTTTCTCTTCTTTTCCCCTAGAGGAGGAAGACAATCTGTCTCTG-3'